The following is an entry in ClinVar:

NM_016824.5(ADD3):c.1262C>T (p.Pro421Leu)

Gene: ADD3 (adducin 3; plus strand). Cytogenetic location: 10q25.2.
Variant type: single nucleotide variant.
Coding change: c.1262C>T on transcript NM_016824.5 (MANE Select); coding-DNA position 1262, C replaced by T.
Protein change: p.Pro421Leu; replaces proline 421 with leucine.
Molecular consequence: missense variant.
Genome position (GRCh38, 1-based): chr10:110,124,135, C>T. VCF-style: chr10-110124135-C-T. GRCh37 (hg19) VCF-style: chr10-111883893-C-T.
Other names: c.1262C>T, p.Pro421Leu (NM_001121.4, NM_001320591.2, NM_001320592.2 and 2 more transcripts); c.1028C>T, p.Pro343Leu (NM_001320594.2); short protein forms P343L, P421L.
Identifiers: ClinVar variation 1358858 (VCV001358858.8), dbSNP rs1381316121, ClinGen allele CA378372427.

ClinVar aggregate classification (germline): Uncertain significance (1 of 4 stars; one submission).

gnomAD v4.1: 1 of 1,614,110 alleles (0.000062%); no homozygotes.

Submission:

Labcorp Genetics (formerly Invitae), Labcorp
Classification: Uncertain significance. Last evaluated: 2022-06-20. Review status: criteria provided, single submitter. Criteria: Invitae Variant Classification Sherloc (09022015). Collection method: clinical testing. Allele origin: germline.
Comment: This variant is not present in population databases (gnomAD no frequency). In summary, the available evidence is currently insufficient to determine the role of this variant in disease. Therefore, it has been classified as a Variant of Uncertain Significance. Algorithms developed to predict the effect of missense changes on protein structure and function output the following: SIFT: "Not Available"; PolyPhen-2: "Benign"; Align-GVGD: "Not Available". The leucine amino acid residue is found in multiple mammalian species, which suggests that this missense change does not adversely affect protein function. This variant has not been reported in the literature in individuals affected with ADD3-related conditions. This sequence change replaces proline, which is neutral and non-polar, with leucine, which is neutral and non-polar, at codon 421 of the ADD3 protein (p.Pro421Leu).